The following is an entry in ClinVar:

ClinVar aggregate classification (germline): Pathogenic (1 of 4 stars; one submission).

Submission:

Labcorp Genetics (formerly Invitae), Labcorp
Classification: Pathogenic. Last evaluated: 2022-09-19. Review status: criteria provided, single submitter. Criteria: Invitae Variant Classification Sherloc (09022015). Collection method: clinical testing. Allele origin: germline.
Comment: This variant is a gross deletion of the genomic region encompassing exon(s) 1-3 of the RINT1 gene, which includes the initiator codon. This deletion extends beyond the assayed region for this gene and therefore may encompass additional genes. It is expected to result in an absent or disrupted protein product. Loss-of-function variants in RINT1 are known to be pathogenic (PMID: 31204009). This variant has not been reported in the literature in individuals affected with RINT1-related conditions. For these reasons, this variant has been classified as Pathogenic.

Literature cited by the submitters: PubMed 31204009.

NC_000007.14:g.(?_105532306)_(105536759_?)del

Gene: RINT1 (RAD50 interactor 1; plus strand). Cytogenetic location: 7q22.3.
Variant type: Deletion.
Identifiers: ClinVar variation 661731 (VCV000661731.6).